The following is an entry in ClinVar:

NM_001372106.1(DNAH10):c.11119_11130del (p.Leu3707_Leu3710del)

Gene: DNAH10 (dynein axonemal heavy chain 10; plus strand). Cytogenetic location: 12q24.31.
Variant type: Deletion.
Coding change: c.11119_11130del on transcript NM_001372106.1 (MANE Select); coding-DNA positions 11119 to 11130, 12 bases deleted (CTCAAGGACCTG).
Protein change: p.Leu3707_Leu3710del.
Molecular consequence: inframe indel (on NM_001083900.1).
Genome position (GRCh38, 1-based): chr12:123,917,700-123,917,711, CTCAAGGACCTG deleted; deleting any 12 consecutive bases within chr12:123,917,695-123,917,711 gives the same sequence; the c. name uses the placement nearest the transcript's 3' end. VCF-style (leftmost placement, unchanged base first): chr12-123917694-AACCTGCTCAAGG-A. GRCh37 (hg19) VCF-style: chr12-124402241-AACCTGCTCAAGG-A.
Other names: c.10765_10776delCTCAAGGACCTG, p.Leu3589_Leu3592del (NM_001083900.1); c.10765_10776del, p.Leu3589_Leu3592del (NM_207437.3); c.10765_10776del12 (NM_207437.3).
Identifiers: ClinVar variation 3033036 (VCV003033036.2), dbSNP rs1449477024, ClinGen allele CA608508164.

ClinVar aggregate classification (germline): Benign (0 of 4 stars; one submission).

Conditions:
DNAH10-related disorder. Also called: DNAH10-related condition.

Submission:

PreventionGenetics, part of Exact Sciences
Classification: Benign for DNAH10-related condition. Last evaluated: 2023-12-15. Review status: no assertion criteria provided. Collection method: clinical testing. Allele origin: germline.
Comment: This variant is classified as benign based on ACMG/AMP sequence variant interpretation guidelines (Richards et al. 2015 PMID: 25741868, with internal and published modifications).